The following is an entry in ClinVar:

NM_000218.3(KCNQ1):c.697C>A (p.Leu233Met)

Gene: KCNQ1 (potassium voltage-gated channel subfamily Q member 1; plus strand). Cytogenetic location: 11p15.5.
Variant type: single nucleotide variant.
Coding change: c.697C>A on transcript NM_000218.3 (MANE Select); coding-DNA position 697, C replaced by A.
Protein change: p.Leu233Met; replaces leucine 233 with methionine.
Molecular consequence: missense variant. On other transcripts: intron variant (1).
Genome position (GRCh38, 1-based): chr11:2,572,026, C>A. VCF-style: chr11-2572026-C-A. GRCh37 (hg19) VCF-style: chr11-2593256-C-A.
Other names: c.697C>A, p.Leu233Met (NM_001406836.1); c.427C>A, p.Leu143Met (NM_001406837.1); c.316C>A, p.Leu106Met (NM_181798.2); c.478-11409C>A (NM_001406838.1); short protein forms L106M, L143M, L233M.
Identifiers: ClinVar variation 3603667 (VCV003603667.2).

ClinVar aggregate classification (germline): Likely pathogenic (1 of 4 stars; one submission).

Conditions:
Long QT syndrome (LQTS). Identifiers: MedGen C0023976, MeSH D008133, MONDO:0002442. Disease mechanism: loss of function. Inheritance: Various modes of inheritance.

Submission:

Labcorp Genetics (formerly Invitae), Labcorp
Classification: Likely pathogenic for Long QT syndrome. Last evaluated: 2024-08-04. Review status: criteria provided, single submitter. Criteria: Invitae Variant Classification Sherloc (09022015). Collection method: clinical testing. Allele origin: germline.
Comment: This sequence change replaces leucine, which is neutral and non-polar, with methionine, which is neutral and non-polar, at codon 233 of the KCNQ1 protein (p.Leu233Met). This variant is not present in population databases (gnomAD no frequency). This variant has not been reported in the literature in individuals affected with KCNQ1-related conditions. Advanced modeling of protein sequence and biophysical properties (such as structural, functional, and spatial information, amino acid conservation, physicochemical variation, residue mobility, and thermodynamic stability) performed at Invitae indicates that this missense variant is expected to disrupt KCNQ1 protein function with a positive predictive value of 95%. This variant disrupts the p.Leu233 amino acid residue in KCNQ1. Other variant(s) that disrupt this residue have been determined to be pathogenic (Invitae). This suggests that this residue is clinically significant, and that variants that disrupt this residue are likely to be disease-causing. In summary, the currently available evidence indicates that the variant is pathogenic, but additional data are needed to prove that conclusively. Therefore, this variant has been classified as Likely Pathogenic.